The following is an entry in ClinVar:

ClinVar aggregate classification (germline): Uncertain significance (1 of 4 stars; one submission).

Conditions:
DICER1-related tumor predisposition. Also called: DICER1-related pleuropulmonary blastoma cancer predisposition syndrome; DICER1 syndrome. Identifiers: Orphanet 284343, MedGen C3839822, MONDO:0100216.

Submission:

Labcorp Genetics (formerly Invitae), Labcorp
Classification: Uncertain significance for DICER1-related tumor predisposition. Last evaluated: 2023-08-18. Review status: criteria provided, single submitter. Criteria: Invitae Variant Classification Sherloc (09022015). Collection method: clinical testing. Allele origin: germline.
Comment: In summary, the available evidence is currently insufficient to determine the role of this variant in disease. Therefore, it has been classified as a Variant of Uncertain Significance. Advanced modeling of protein sequence and biophysical properties (such as structural, functional, and spatial information, amino acid conservation, physicochemical variation, residue mobility, and thermodynamic stability) performed at Invitae indicates that this missense variant is expected to disrupt DICER1 protein function. This variant has not been reported in the literature in individuals affected with DICER1-related conditions. This variant is not present in population databases (gnomAD no frequency). This sequence change replaces leucine, which is neutral and non-polar, with valine, which is neutral and non-polar, at codon 1765 of the DICER1 protein (p.Leu1765Val).

NM_177438.3(DICER1):c.5293C>G (p.Leu1765Val)

Gene: DICER1 (dicer 1, ribonuclease III; minus strand). Cytogenetic location: 14q32.13.
Variant type: single nucleotide variant.
Coding change: c.5293C>G on transcript NM_177438.3 (MANE Select); coding-DNA position 5293, C replaced by G.
Protein change: p.Leu1765Val; replaces leucine 1765 with valine.
Molecular consequence: missense variant. On other transcripts: non-coding transcript variant (6).
Genome position (GRCh38, 1-based): chr14:95,093,959, G>C on the plus strand (C>G on the coding strand, the complement: DICER1 is on the minus strand). VCF-style: chr14-95093959-G-C. GRCh37 (hg19) VCF-style: chr14-95560296-G-C.
Other names: c.5293C>G, p.Leu1765Val (NM_001195573.1, NM_001271282.3, NM_001291628.2 and 9 more transcripts); c.4888C>G, p.Leu1630Val (NM_001395689.1, NM_001395690.1, NM_001395687.1 and 1 more transcripts); c.4726C>G, p.Leu1576Val (NM_001395691.1); c.3610C>G, p.Leu1204Val (NM_001395697.1); c.5011C>G, p.Leu1671Val (NM_001395686.1); short protein forms L1630V, L1204V, L1765V, L1576V, L1671V.
Identifiers: ClinVar variation 2753765 (VCV002753765.3), dbSNP rs2139811799, ClinGen allele CA390865019.